The following is an entry in ClinVar:

ClinVar aggregate classification (germline): Uncertain significance (1 of 4 stars; one submission).

Conditions:
Aicardi-Goutieres syndrome 2. Identifiers: Orphanet 51, MedGen C3489724, MONDO:0012429, OMIM 610181.

Submission:

Labcorp Genetics (formerly Invitae), Labcorp
Classification: Uncertain significance for Aicardi-Goutieres syndrome 2. Last evaluated: 2022-04-30. Review status: criteria provided, single submitter. Criteria: Invitae Variant Classification Sherloc (09022015). Collection method: clinical testing. Allele origin: germline.
Comment: In summary, the available evidence is currently insufficient to determine the role of this variant in disease. Therefore, it has been classified as a Variant of Uncertain Significance. Algorithms developed to predict the effect of sequence changes on RNA splicing suggest that this variant may disrupt the consensus splice site. This variant has not been reported in the literature in individuals affected with RNASEH2B-related conditions. This variant is not present in population databases (gnomAD no frequency). This variant, c.137_139del, results in the deletion of 1 amino acid(s) of the RNASEH2B protein (p.Gly46del), but otherwise preserves the integrity of the reading frame.

NC_000013.11:g.50929475_50929477del

Gene: RNASEH2B (ribonuclease H2 subunit B; plus strand). Cytogenetic location: 13q14.3.
Variant type: Deletion.
Genome position: GRCh38 VCF-style: chr13-50929472-CAGG-C. GRCh37 (hg19) VCF-style: chr13-51503608-CAGG-C.
Identifiers: ClinVar variation 2132362 (VCV002132362.5), dbSNP rs2541495342, ClinGen allele CA2580087747.
Genomic context (GRCh38, chr13:50,929,472, plus strand): 5'-GTGTGTGTGTGTTTGTGTGTGTGTGTGAAAACTTACAAATAAAAGACAGATTTGTCTTAA[CAGG>C]AGAAGGAGCCATTTACTTGTTCAATATGTGTCTACAGCAGCTGTTTGAAGTAAAAGTTTT-3'